The following is an entry in ClinVar:

ClinVar aggregate classification (germline): Conflicting classifications of pathogenicity. Review status: criteria provided, conflicting classifications (1 of 4 stars). 2 submissions from 2 submitters: Uncertain significance (1); Likely benign (1). Last evaluated 2025-06-20.

Conditions:
Charcot-Marie-Tooth disease type 2. Also called: Charcot-Marie-Tooth type 2. Identifiers: Orphanet 64746, MedGen C0270914, MONDO:0018993.

Allele frequency attached by ClinVar (database versions not stated): ExAC 0.00001; gnomAD 0.00002; TOPMed 0.00001; gnomAD exomes 0.00002 and 0.00004.
gnomAD v4.1: 39 of 1,613,976 alleles (0.0024%); highest among the groups gnomAD compares: Middle Eastern, 0.033%; no homozygotes.

Submissions (2):

GeneDx
Classification: Uncertain significance. Last evaluated: 2025-06-20. Review status: criteria provided, single submitter. Criteria: GeneDx Variant Classification Process June 2021. Collection method: clinical testing. Allele origin: germline. Affected: yes.
Comment: In silico analysis suggests that this missense variant does not alter protein structure/function; Has not been previously published as pathogenic or benign to our knowledge; This variant is associated with the following publications: (PMID: 25817015)

Labcorp Genetics (formerly Invitae), Labcorp
Classification: Likely benign for Charcot-Marie-Tooth disease type 2. Last evaluated: 2025-04-08. Review status: criteria provided, single submitter. Criteria: Invitae Variant Classification Sherloc (09022015). Collection method: clinical testing. Allele origin: germline.

NM_001605.3(AARS1):c.2593G>A (p.Gly865Ser)

Gene: AARS1 (alanyl-tRNA synthetase 1; minus strand). Cytogenetic location: 16q22.1.
Variant type: single nucleotide variant.
Coding change: c.2593G>A on transcript NM_001605.3 (MANE Select); coding-DNA position 2593, G replaced by A.
Protein change: p.Gly865Ser; replaces glycine 865 with serine.
Molecular consequence: missense variant.
Genome position (GRCh38, 1-based): chr16:70,253,728, C>T on the plus strand (G>A on the coding strand, the complement: AARS1 is on the minus strand). VCF-style: chr16-70253728-C-T. GRCh37 (hg19) VCF-style: chr16-70287631-C-T.
Other names: short protein forms G865S.
Identifiers: ClinVar variation 239032 (VCV000239032.8), dbSNP rs757295540, ClinGen allele CA8140358.